The following is an entry in ClinVar:

NM_000426.4(LAMA2):c.9211+6T>C

Gene: LAMA2 (laminin subunit alpha 2; plus strand). Cytogenetic location: 6q22.33.
Variant type: single nucleotide variant.
Coding change: c.9211+6T>C on transcript NM_000426.4 (MANE Select); 6 bases into the intron after coding-DNA position 9211, T replaced by C.
Molecular consequence: intron variant.
Genome position (GRCh38, 1-based): chr6:129,514,601, T>C. VCF-style: chr6-129514601-T-C. GRCh37 (hg19) VCF-style: chr6-129835746-T-C.
Other names: p.?; c.9199+6T>C (NM_001079823.2).
Identifiers: ClinVar variation 162583 (VCV000162583.76), dbSNP rs201375881, ClinGen allele CA246937.

ClinVar aggregate classification (germline): Conflicting classifications of pathogenicity. Review status: criteria provided, conflicting classifications (1 of 4 stars). 15 submissions from 15 submitters: Uncertain significance (4); Likely benign (8). 3 of the submissions do not count toward it. Last evaluated 2026-02-02.

Conditions:
Inborn genetic diseases. Identifiers: MedGen C0950123, MeSH D030342.
LAMA2-related muscular dystrophy (LAMA2-RD). Also called: Laminin alpha 2-related dystrophy. Identifiers: MedGen C5679788, MONDO:0100228.
Merosin deficient congenital muscular dystrophy (MDC1A). Also called: Congenital Muscular Dystrophy Type 1A (MDC1A); Congenital merosin-deficient muscular dystrophy 1A. Identifiers: Orphanet 258, MedGen C1263858, MONDO:0011925, OMIM 607855.
Congenital muscular dystrophy due to partial LAMA2 deficiency. Identifiers: MedGen C1842898.

Allele frequency attached by ClinVar (database versions not stated): 1000 Genomes Project 0.00040; 1000 Genomes Project 30x 0.00047; ExAC 0.00064; gnomAD exomes 0.00070 and 0.00181; ESP Exome Variant Server 0.00077; TOPMed 0.00079; gnomAD 0.00085 and 0.00091.
gnomAD v4.1: 2,712 of 1,607,204 alleles (0.17%); highest among the groups gnomAD compares: Non-Finnish European, 0.22%; 6 homozygotes.

Submissions (18):

Labcorp Genetics (formerly Invitae), Labcorp
Classification: Likely benign for LAMA2-related muscular dystrophy. Last evaluated: 2026-02-02. Review status: criteria provided, single submitter. Criteria: Invitae Variant Classification Sherloc (09022015). Collection method: clinical testing. Allele origin: germline.

Women's Health and Genetics/Laboratory Corporation of America, LabCorp
Classification: Likely benign. Last evaluated: 2025-12-17. Review status: criteria provided, single submitter. Criteria: LabCorp Variant Classification Summary - May 2015. Collection method: clinical testing. Allele origin: germline.
Comment: Variant summary: LAMA2 c.9211+6T>C alters a nucleotide located close to a canonical splice site and therefore could affect mRNA splicing, leading to a significantly altered protein sequence. Consensus agreement among computation tools predict no significant impact on normal splicing. However, these predictions have yet to be confirmed by functional studies. The variant allele was found at a frequency of 0.0007 in 251034 control chromosomes in the gnomAD database, including 1 homozygote. c.9211+6T>C has been observed in individuals affected with Merosin deficient congenital muscular dystrophy in cis with a pathogenic variant (LAMA2 c.5562+5G>C), providing supporting evidence for a benign role. To our knowledge, no experimental evidence demonstrating an impact on protein function has been reported. The following publications have been ascertained in the context of this evaluation (PMID: 10611118, 20207543). ClinVar contains an entry for this variant (Variation ID: 162583). Based on the evidence outlined above, the variant was classified as likely benign.

CeGaT Center for Human Genetics Tuebingen
Classification: Likely benign. Last evaluated: 2025-11-01. Review status: criteria provided, single submitter. Criteria: CeGaT Center For Human Genetics Tuebingen Variant Classification Criteria Version 2. Collection method: clinical testing. Allele origin: germline. Affected: yes. Observed: 4 variant alleles.
Comment: LAMA2: BP4

Revvity Omics, Revvity
Classification: Likely benign. Last evaluated: 2025-05-15. Review status: criteria provided, single submitter. Criteria: ACMG Guidelines, 2015. Collection method: clinical testing. Allele origin: germline.

Blueprint Genetics
Classification: Likely benign. Last evaluated: 2024-11-18. Review status: criteria provided, single submitter. Criteria: ACMG Guidelines, 2015. Collection method: clinical testing. Allele origin: germline.

Mayo Clinic Laboratories, Mayo Clinic
Classification: Likely benign. Last evaluated: 2024-08-12. Review status: criteria provided, single submitter. Criteria: ACMG Guidelines, 2015. Collection method: clinical testing. Allele origin: germline. Observed: 11 variant alleles.
Comment: BS2, BP4, BP7

Ambry Genetics
Classification: Likely benign for Inborn genetic diseases. Last evaluated: 2021-11-19. Review status: criteria provided, single submitter. Criteria: Ambry Variant Classification Scheme 2023. Collection method: clinical testing. Allele origin: germline.

Myriad Genetics, Inc.
Classification: Uncertain significance for LAMA2-related muscular dystrophy. Last evaluated: 2021-10-09. Review status: criteria provided, single submitter. Criteria: Myriad Autosomal Dominant, Autosomal Recessive and X-Linked Classification Criteria (2023). Collection method: clinical testing. Allele origin: unknown.
Comment: NM_000426.3(LAMA2):c.9211+6T>C is an intronic variant classified as a variant of uncertain significance in the context of LAMA2-related muscular dystrophy. c.9211+6T>C has been observed in cases with relevant disease (PMID: 20207543, 10611118). Functional assessments of this variant are not available in the literature. c.9211+6T>C has been observed in population frequency databases (gnomAD: NFE 0.15%). In summary, there is insufficient evidence to classify NM_000426.3(LAMA2):c.9211+6T>C as pathogenic or benign. Please note: this variant was assessed in the context of healthy population screening.

Fulgent Genetics
Classification: Uncertain significance for Merosin deficient congenital muscular dystrophy. Last evaluated: 2017-05-23. Review status: criteria provided, single submitter. Criteria: ACMG Guidelines, 2015. Collection method: clinical testing. Allele origin: unknown.

Illumina Laboratory Services, Illumina
Classification: Uncertain significance for Congenital muscular dystrophy due to partial LAMA2 deficiency. Last evaluated: 2017-04-27. Review status: criteria provided, single submitter. Criteria: ICSL Variant Classification Criteria 13 December 2019. Collection method: clinical testing. Allele origin: germline.
Comment: This variant was observed as part of a predisposition screen in an ostensibly healthy population. A literature search was performed for the gene, cDNA change, and amino acid change (where applicable). Publications were found based on this search. However, the evidence from the literature, in combination with allele frequency data from public databases where available, was not sufficient to rule this variant in or out of causing disease. Therefore, this variant is classified as a variant of unknown significance.

Eurofins Ntd Llc (ga)
Classification: Uncertain significance. Last evaluated: 2014-08-05. Review status: criteria provided, single submitter. Criteria: EGL Classification Definitions 2015. Collection method: clinical testing. Allele origin: germline. Observed: 3 variant alleles, 3 heterozygotes.

PreventionGenetics, part of Exact Sciences
Classification: Likely benign. Review status: criteria provided, single submitter. Criteria: ACMG Guidelines, 2015. Collection method: clinical testing. Allele origin: germline.

Clinical Genetics DNA and cytogenetics Diagnostics Lab, Erasmus MC, Erasmus Medical Center
Classification: Likely benign. Review status: no assertion criteria provided. Collection method: clinical testing. Allele origin: germline. Affected: yes. Study: VKGL Data-share Consensus. Not counted in ClinVar's aggregate classification.

Dr. Peter K. Rogan Lab, Western University
No classification provided (evidence only). Condition: Familial cancer of breast. Review status: no classification provided. Collection method: in vitro. Allele origin: not applicable. Functional consequence: retained intron. Not counted in ClinVar's aggregate classification.

Dr. Peter K. Rogan Lab, Western University
No classification provided (evidence only). Condition: Cervical cancer. Review status: no classification provided. Collection method: in vitro. Allele origin: not applicable. Functional consequence: retained intron. Not counted in ClinVar's aggregate classification.

Dr. Peter K. Rogan Lab, Western University
No classification provided (evidence only). Condition: Ovarian cancer. Review status: no classification provided. Collection method: in vitro. Allele origin: not applicable. Functional consequence: retained intron. Not counted in ClinVar's aggregate classification.

Genome Diagnostics Laboratory, University Medical Center Utrecht
Classification: Likely benign. Review status: no assertion criteria provided. Collection method: clinical testing. Allele origin: germline. Affected: yes. Study: VKGL Data-share Consensus. Not counted in ClinVar's aggregate classification.

Joint Genome Diagnostic Labs from Nijmegen and Maastricht, Radboudumc and MUMC+
Classification: Likely benign. Review status: no assertion criteria provided. Collection method: clinical testing. Allele origin: germline. Affected: yes. Study: VKGL Data-share Consensus. Not counted in ClinVar's aggregate classification.

Literature cited by the submitters: PubMed 20207543 (cited by 4 submitters); PubMed 10611118 (cited by 4 submitters); PubMed 38962616 (cited by Mayo Clinic Laboratories, Mayo Clinic).